The following is an entry in ClinVar:

NM_024753.5(TTC21B):c.1972A>G (p.Ile658Val)

Gene: TTC21B (tetratricopeptide repeat domain 21B; minus strand). Cytogenetic location: 2q24.3.
Variant type: single nucleotide variant.
Coding change: c.1972A>G on transcript NM_024753.5 (MANE Select); coding-DNA position 1972, A replaced by G.
Protein change: p.Ile658Val; replaces isoleucine 658 with valine.
Molecular consequence: missense variant.
Genome position (GRCh38, 1-based): chr2:165,915,367, T>C on the plus strand (A>G on the coding strand, the complement: TTC21B is on the minus strand). VCF-style: chr2-165915367-T-C. GRCh37 (hg19) VCF-style: chr2-166771877-T-C.
Other names: short protein forms I658V.
Identifiers: ClinVar variation 2104482 (VCV002104482.4), dbSNP rs2105324307, ClinGen allele CA349058898.

ClinVar aggregate classification (germline): Uncertain significance (1 of 4 stars; one submission).

Conditions:
Nephronophthisis. Also called: Juvenile Nephronophthisis. Identifiers: Orphanet 655, MedGen C0687120, MONDO:0019005, HP:0000090.
Jeune thoracic dystrophy. Also called: Jeune syndrome; Infantile thoracic dystrophy; Thoracic pelvic phalangeal dystrophy; Jeune's syndrome; Chondroectodermal dysplasia-like syndrome; Short-rib thoracic dysplasia. Identifiers: Orphanet 474, MedGen C0265275, MONDO:0018770.

Allele frequency attached by ClinVar (database versions not stated): gnomAD exomes 0.00001.
gnomAD v4.1: 3 of 1,614,116 alleles (0.00019%); highest among the groups gnomAD compares: South Asian, 0.0011%; no homozygotes.

Submission:

Labcorp Genetics (formerly Invitae), Labcorp
Classification: Uncertain significance for Jeune thoracic dystrophy; Nephronophthisis. Last evaluated: 2022-02-28. Review status: criteria provided, single submitter. Criteria: Invitae Variant Classification Sherloc (09022015). Collection method: clinical testing. Allele origin: germline.
Comment: In summary, the available evidence is currently insufficient to determine the role of this variant in disease. Therefore, it has been classified as a Variant of Uncertain Significance. Algorithms developed to predict the effect of missense changes on protein structure and function (SIFT, PolyPhen-2, Align-GVGD) all suggest that this variant is likely to be tolerated. This variant has not been reported in the literature in individuals affected with TTC21B-related conditions. This variant is not present in population databases (gnomAD no frequency). This sequence change replaces isoleucine, which is neutral and non-polar, with valine, which is neutral and non-polar, at codon 658 of the TTC21B protein (p.Ile658Val).